The following is an entry in ClinVar:

ClinVar aggregate classification (germline): Uncertain significance (1 of 4 stars; one submission).

gnomAD v4.1: 2 of 1,614,216 alleles (0.00012%); highest among the groups gnomAD compares: East Asian, 0.0022%; no homozygotes.

Submission:

Labcorp Genetics (formerly Invitae), Labcorp
Classification: Uncertain significance. Last evaluated: 2024-10-29. Review status: criteria provided, single submitter. Criteria: Invitae Variant Classification Sherloc (09022015). Collection method: clinical testing. Allele origin: germline.
Comment: This sequence change replaces tyrosine, which is neutral and polar, with phenylalanine, which is neutral and non-polar, at codon 317 of the SON protein (p.Tyr317Phe). This variant is not present in population databases (gnomAD no frequency). This variant has not been reported in the literature in individuals affected with SON-related conditions. An algorithm developed to predict the effect of missense changes on protein structure and function (PolyPhen-2) suggests that this variant is likely to be disruptive. In summary, the available evidence is currently insufficient to determine the role of this variant in disease. Therefore, it has been classified as a Variant of Uncertain Significance.

NM_138927.4(SON):c.950A>T (p.Tyr317Phe)

Gene: SON (SON DNA and RNA binding protein; plus strand). Cytogenetic location: 21q22.11.
Variant type: single nucleotide variant.
Coding change: c.950A>T on transcript NM_138927.4 (MANE Select); coding-DNA position 950, A replaced by T.
Protein change: p.Tyr317Phe; replaces tyrosine 317 with phenylalanine.
Molecular consequence: missense variant. On other transcripts: non-coding transcript variant (1), intron variant (1).
Genome position (GRCh38, 1-based): chr21:33,550,181, A>T. VCF-style: chr21-33550181-A-T. GRCh37 (hg19) VCF-style: chr21-34922487-A-T.
Other names: c.950A>T, p.Tyr317Phe (NM_001291411.2, NM_032195.3); c.244+3802A>T (NM_001291412.3); short protein forms Y317F.
Identifiers: ClinVar variation 3701527 (VCV003701527.2).
Genomic context (GRCh38, chr21:33,550,181, plus strand): 5'-CAAAAGTGTTAGAGCCTTCAGAAACCCTTGTGGTATCATCAGAGACACCTACTGAGGTGT[A>T]CCCTGAGCCAAGCACATCAACAACAATGGATTTTCCAGAGTCATCTGCAATTGAAGCGCT-3'
Protein context (NP_620305.3, residues 307-327): VVSSETPTEV[Tyr317Phe]PEPSTSTTMD